The following is an entry in ClinVar:

ClinVar aggregate classification (germline): Uncertain significance (1 of 4 stars; one submission).

Conditions:
Leukoencephalopathy with vanishing white matter 1 (VWM1). Also called: CHILDHOOD ATAXIA WITH CENTRAL NERVOUS SYSTEM HYPOMYELINIZATION; Cree leukoencephalopathy; Vanishing white matter leukodystrophy; EIF2B1-Related Childhood Ataxia with Central Nervous System Hypomyelination/Vanishing White Matter. Identifiers: Orphanet 99854, MedGen C5779972, MONDO:0020507, OMIM 603896.

Submission:

Neuberg Centre For Genomic Medicine, NCGM
Classification: Uncertain significance for Leukoencephalopathy with vanishing white matter 1. Review status: criteria provided, single submitter. Criteria: ACMG Guidelines, 2015. Collection method: clinical testing. Allele origin: germline. Inheritance: Autosomal recessive inheritance. Affected: yes.
Comment: The c.752A>G (p.Lys251Arg) missense variant in EIF2B1 gene has not been reported previously as a pathogenic variant nor as a benign variant, to our knowledge. The p.Lys251Arg variant is novel (not in any individuals) in gnomAD Exomes and 1000 Genomes. The amino acid Lys at position 251 is changed to a Arg changing protein sequence and it might alter its composition and physico-chemical properties. The amino acid change p.Lys251Arg in EIF2B1 is predicted as conserved by GERP++ and PhyloP across 100 vertebrates. For these reasons, this variant has been classified as Variant of Uncertain Significance (VUS). In the absence of another reportable variant the molecular diagnosis is not confirmed.

NM_001414.4(EIF2B1):c.752A>G (p.Lys251Arg)

Gene: EIF2B1 (eukaryotic translation initiation factor 2B subunit alpha; minus strand). Cytogenetic location: 12q24.31.
Variant type: single nucleotide variant.
Coding change: c.752A>G on transcript NM_001414.4 (MANE Select); coding-DNA position 752, A replaced by G.
Protein change: p.Lys251Arg; replaces lysine 251 with arginine.
Molecular consequence: missense variant.
Genome position (GRCh38, 1-based): chr12:123,622,637, T>C on the plus strand (A>G on the coding strand, the complement: EIF2B1 is on the minus strand). VCF-style: chr12-123622637-T-C. GRCh37 (hg19) VCF-style: chr12-124107184-T-C.
Other names: short protein forms K251R.
Identifiers: ClinVar variation 2584983 (VCV002584983.1), dbSNP rs2135759663, ClinGen allele CA387138917.